The following is an entry in ClinVar:

NM_000400.4(ERCC2):c.575A>G (p.Tyr192Cys)

Gene: ERCC2 (ERCC excision repair 2, TFIIH core complex helicase subunit; minus strand). Cytogenetic location: 19q13.32.
Variant type: single nucleotide variant.
Coding change: c.575A>G on transcript NM_000400.4 (MANE Select); coding-DNA position 575, A replaced by G.
Protein change: p.Tyr192Cys; replaces tyrosine 192 with cysteine.
Molecular consequence: missense variant. On other transcripts: non-coding transcript variant (3).
Genome position (GRCh38, 1-based): chr19:45,364,857, T>C on the plus strand (A>G on the coding strand, the complement: ERCC2 is on the minus strand). VCF-style: chr19-45364857-T-C. GRCh37 (hg19) VCF-style: chr19-45868115-T-C.
Other names: c.503A>G, p.Tyr168Cys (NM_001130867.2, NM_001440355.1); c.497A>G, p.Tyr166Cys (NM_001440356.1); c.452A>G, p.Tyr151Cys (NM_001440357.1); short protein forms Y192C, Y168C, Y151C, Y166C.
Identifiers: ClinVar variation 5002979 (VCV005002979.1).

ClinVar aggregate classification (germline): Uncertain significance (1 of 4 stars; one submission).

Submission:

OLLIN Analises Genomicas, OLLIN
Classification: Uncertain significance. Last evaluated: 2026-08-06. Review status: criteria provided, single submitter. Criteria: ACMG Guidelines 2015 PMID 25741868. Collection method: clinical testing. Allele origin: germline.
Comment: This missense variant, located in exon 7 (of 23), is absent from gnomAD and ClinVar and has not been identified in the literature. In silico analysis predicts that this variant has a deleterious effect. This gene is constrained for missense variation. According to the currently available evidence, this variant has been classified as uncertain significance (PM2_P, PP2, PP3_M).